The following is an entry in ClinVar:

ClinVar aggregate classification (germline): Pathogenic (1 of 4 stars; one submission).

Allele frequency attached by ClinVar (database versions not stated): gnomAD exomes below 0.00001.
gnomAD v4.1: 1 of 1,581,924 alleles (0.000063%); highest among the groups gnomAD compares: South Asian, 0.0011%; no homozygotes.

Submission:

Labcorp Genetics (formerly Invitae), Labcorp
Classification: Pathogenic. Last evaluated: 2024-05-22. Review status: criteria provided, single submitter. Criteria: Invitae Variant Classification Sherloc (09022015). Collection method: clinical testing. Allele origin: germline.
Comment: This sequence change creates a premature translational stop signal (p.Arg4722*) in the PCLO gene. It is expected to result in an absent or disrupted protein product. Loss-of-function variants in PCLO are known to be pathogenic (PMID: 25832664, 30287594). The frequency data for this variant in the population databases is considered unreliable, as metrics indicate poor data quality at this position in the gnomAD database. This variant has not been reported in the literature in individuals affected with PCLO-related conditions. ClinVar contains an entry for this variant (Variation ID: 1453355). For these reasons, this variant has been classified as Pathogenic.

Literature cited by the submitters: PubMed 25832664; PubMed 30287594.

NM_033026.6(PCLO):c.14164C>T (p.Arg4722Ter)

Gene: PCLO (piccolo presynaptic cytomatrix protein; minus strand). Cytogenetic location: 7q21.11.
Variant type: single nucleotide variant.
Coding change: c.14164C>T on transcript NM_033026.6 (MANE Select); coding-DNA position 14164, C replaced by T.
Protein change: p.Arg4722Ter; replaces arginine 4722 with a stop codon.
Molecular consequence: nonsense.
Genome position (GRCh38, 1-based): chr7:82,838,276, G>A on the plus strand (C>T on the coding strand, the complement: PCLO is on the minus strand). VCF-style: chr7-82838276-G-A. GRCh37 (hg19) VCF-style: chr7-82467592-G-A.
Other names: c.14164C>T, p.Arg4722Ter (NM_014510.3); short protein forms R4722*.
Identifiers: ClinVar variation 1453355 (VCV001453355.6), dbSNP rs1247991302, ClinGen allele CA367878364.
Genomic context (GRCh38, chr7:82,838,276, plus strand): 5'-ACCCTCTCCCTGGAAGAAGGTACACTTTCACAAAAGGGTCAGAATAACCATTGTTGTCTC[G>A]AGGAACAAGATTTCTTGCTTGGAGAATATGTATTATGAGATTTCCAAGATCATAGTTAAT-3'